The following is an entry in ClinVar:

NM_021074.5(NDUFV2):c.579+130T>G

Genes: NDUFV2 (NADH:ubiquinone oxidoreductase core subunit V2; plus strand), NDUFV2-AS1 (NDUFV2 antisense RNA 1; minus strand). Cytogenetic location: 18p11.22.
Variant type: single nucleotide variant.
Coding change: c.579+130T>G on transcript NM_021074.5 (MANE Select); 130 bases into the intron after coding-DNA position 579, T replaced by G.
Molecular consequence: intron variant.
Genome position (GRCh38, 1-based): chr18:9,125,113, T>G. VCF-style: chr18-9125113-T-G. GRCh37 (hg19) VCF-style: chr18-9125111-T-G.
Identifiers: ClinVar variation 675925 (VCV000675925.2), dbSNP rs148477073, ClinGen allele CA295875795.
Genomic context (GRCh38, chr18:9,125,113, plus strand): 5'-TTGTGTCCTTAGATGTTGGTTTCTGAATTACTCATTTAGAAGAAATGGTTACCATAAATA[T>G]CCAGGTTTTAAAAAATTCTTTAAACATTTTTGCATTTAACTTCAGAAGACAAATTTTAAA-3'

ClinVar aggregate classification (germline): Likely benign. Review status: criteria provided, multiple submitters, no conflicts (2 of 4 stars). 2 submissions from 2 submitters: Likely benign (2). Last evaluated 2018-06-14.

Allele frequency attached by ClinVar (database versions not stated): TOPMed 0.00603; 1000 Genomes Project 30x 0.00437; 1000 Genomes Project 0.00499.
gnomAD v4.1: 8,302 of 1,014,838 alleles (0.82%); highest among the groups gnomAD compares: Middle Eastern, 2.2%; 55 homozygotes.

Submissions (2):

GeneDx
Classification: Likely benign. Last evaluated: 2018-06-14. Review status: criteria provided, single submitter. Criteria: GeneDx Variant Classification (06012015). Collection method: clinical testing. Allele origin: germline. Affected: yes.
Comment: This variant is considered likely benign or benign based on one or more of the following criteria: it is a conservative change, it occurs at a poorly conserved position in the protein, it is predicted to be benign by multiple in silico algorithms, and/or has population frequency not consistent with disease.

Breakthrough Genomics
Classification: Likely benign. Review status: criteria provided, single submitter. Criteria: ACMG Guidelines, 2015. Collection method: not provided. Allele origin: germline. Inheritance: Autosomal recessive inheritance. Affected: yes.